The following is an entry in ClinVar:

ClinVar aggregate classification (germline): Uncertain significance. Review status: criteria provided, multiple submitters, no conflicts (2 of 4 stars). 3 submissions from 3 submitters: Uncertain significance (3). Last evaluated 2023-08-10.

Conditions:
Congenital contractural arachnodactyly (CCA). Also called: BEALS SYNDROME; Beals-Hecht syndrome; Arthrogryposis, distal, type 9. Identifiers: Orphanet 115, MedGen C0220668, MONDO:0007363, OMIM 121050.

Allele frequency attached by ClinVar (database versions not stated): gnomAD exomes below 0.00001; gnomAD 0.00001.
gnomAD v4.1: 2 of 1,612,584 alleles (0.00012%); highest among the groups gnomAD compares: Non-Finnish European, 0.00017%; no homozygotes.

Submissions (3):

Labcorp Genetics (formerly Invitae), Labcorp
Classification: Uncertain significance for Congenital contractural arachnodactyly. Last evaluated: 2023-08-10. Review status: criteria provided, single submitter. Criteria: Invitae Variant Classification Sherloc (09022015). Collection method: clinical testing. Allele origin: germline.
Comment: This sequence change replaces threonine, which is neutral and polar, with serine, which is neutral and polar, at codon 158 of the FBN2 protein (p.Thr158Ser). This variant is not present in population databases (gnomAD no frequency). This variant has not been reported in the literature in individuals affected with FBN2-related conditions. ClinVar contains an entry for this variant (Variation ID: 350793). Advanced modeling of protein sequence and biophysical properties (such as structural, functional, and spatial information, amino acid conservation, physicochemical variation, residue mobility, and thermodynamic stability) performed at Invitae indicates that this missense variant is not expected to disrupt FBN2 protein function. In summary, the available evidence is currently insufficient to determine the role of this variant in disease. Therefore, it has been classified as a Variant of Uncertain Significance.

GeneDx
Classification: Uncertain significance. Last evaluated: 2022-10-10. Review status: criteria provided, single submitter. Criteria: GeneDx Variant Classification Process June 2021. Collection method: clinical testing. Allele origin: germline. Affected: yes.
Comment: Has not been previously published as pathogenic or benign to our knowledge; Not observed at significant frequency in large population cohorts (gnomAD); Although located in a calcium-binding EGF-like domain of the FBN2 gene, it does not substitute or introduce a cysteine residue (Callewaert et al., 2009; Frederic et al., 2009); In silico analysis supports that this missense variant does not alter protein structure/function; This variant is associated with the following publications: (PMID: 18767143, 19006240)

Illumina Laboratory Services, Illumina
Classification: Uncertain significance for Congenital contractural arachnodactyly. Last evaluated: 2018-01-12. Review status: criteria provided, single submitter. Criteria: ICSL Variant Classification Criteria 13 December 2019. Collection method: clinical testing. Allele origin: germline.

NM_001999.4(FBN2):c.472A>T (p.Thr158Ser)

Gene: FBN2 (fibrillin 2; minus strand). Cytogenetic location: 5q23.3.
Variant type: single nucleotide variant.
Coding change: c.472A>T on transcript NM_001999.4 (MANE Select); coding-DNA position 472, A replaced by T.
Protein change: p.Thr158Ser; replaces threonine 158 with serine.
Molecular consequence: missense variant.
Genome position (GRCh38, 1-based): chr5:128,527,932, T>A on the plus strand (A>T on the coding strand, the complement: FBN2 is on the minus strand). VCF-style: chr5-128527932-T-A. GRCh37 (hg19) VCF-style: chr5-127863625-T-A.
Other names: short protein forms T158S.
Identifiers: ClinVar variation 350793 (VCV000350793.13), dbSNP rs886059904, ClinGen allele CA10622493.